The following is an entry in ClinVar:

NM_001166108.2(PALLD):c.2690C>T (p.Ser897Phe)

Genes: CBR4 (carbonyl reductase 4; minus strand), PALLD (palladin, cytoskeletal associated protein; plus strand). Cytogenetic location: 4q32.3.
Variant type: single nucleotide variant.
Coding change: c.2690C>T on transcript NM_001166108.2 (MANE Select); coding-DNA position 2690, C replaced by T.
Protein change: p.Ser897Phe; replaces serine 897 with phenylalanine.
Molecular consequence: missense variant.
Genome position (GRCh38, 1-based): chr4:168,913,994, C>T. VCF-style: chr4-168913994-C-T. GRCh37 (hg19) VCF-style: chr4-169835145-C-T.
Other names: c.1493C>T, p.Ser498Phe (NM_001166109.2); c.1178C>T, p.Ser393Phe (NM_001166110.2); c.518C>T, p.Ser173Phe (NM_001367567.1, NM_001367569.1); c.569C>T, p.Ser190Phe (NM_001367568.1, NM_001367570.1); c.2639C>T, p.Ser880Phe (NM_016081.4); short protein forms S173F, S880F, S897F, S190F, S393F, S498F.
Identifiers: ClinVar variation 5026230 (VCV005026230.1).
Genomic context (GRCh38, chr4:168,913,994, plus strand): 5'-TCAGTTGTACTGGACGGCTAATGGTACAGGCTGTCAACCAAAGAGGTCGAAGTCCCCGGT[C>T]TCCCTCAGGCCATCCTCATGTCAGAAGGTATTTAACATGTTCCTTCCCAGAAGTGTTACA-3'
Protein context (NP_001159580.1, residues 887-907): AVNQRGRSPR[Ser897Phe]PSGHPHVRRP

ClinVar aggregate classification (germline): Uncertain significance (1 of 4 stars; one submission).

Submission:

Ambry Genetics
Classification: Uncertain significance. Last evaluated: 2026-07-22. Review status: criteria provided, single submitter. Criteria: Ambry Variant Classification Scheme 2023. Collection method: clinical testing. Allele origin: germline.
Comment: The p.S393F variant (also known as c.1178C>T), located in coding exon 6 of the PALLD gene, results from a C to T substitution at nucleotide position 1178. The serine at codon 393 is replaced by phenylalanine, an amino acid with highly dissimilar properties. This amino acid position is conserved. In addition, this alteration is predicted to be tolerated by in silico analysis. Based on the available evidence, the clinical significance of this variant remains unclear.